The following is an entry in ClinVar:

NM_018139.3(DNAAF2):c.233dup (p.Arg79fs)

Gene: DNAAF2 (dynein axonemal assembly factor 2; minus strand). Cytogenetic location: 14q21.3.
Variant type: Duplication.
Coding change: c.233dup on transcript NM_018139.3 (MANE Select); coding-DNA position 233, one base duplicated (T; older notation c.233dupT).
Protein change: p.Arg79fs; shifts the reading frame from arginine 79.
Molecular consequence: frameshift variant.
Genome position (GRCh38, 1-based): chr14:49,634,917, A duplicated on the plus strand (T on the coding strand, the reverse complement: DNAAF2 is on the minus strand). VCF-style (leftmost placement, unchanged base first): chr14-49634916-C-CA. GRCh37 (hg19) VCF-style: chr14-50101634-C-CA.
Other names: c.233dup, p.Arg79fs (NM_001083908.2); short protein forms R79fs.
Identifiers: ClinVar variation 1454328 (VCV001454328.6), dbSNP rs1210988336, ClinGen allele CA614273730.

ClinVar aggregate classification (germline): Pathogenic (1 of 4 stars; one submission).

Conditions:
Primary ciliary dyskinesia. Also called: Ciliary dyskinesia. Identifiers: Orphanet 244, MedGen C0008780, MONDO:0016575, HP:0012265.

Allele frequency attached by ClinVar (database versions not stated): gnomAD exomes below 0.00001 and 0.00001; TOPMed below 0.00001.

Submission:

Labcorp Genetics (formerly Invitae), Labcorp
Classification: Pathogenic for Primary ciliary dyskinesia. Last evaluated: 2023-11-07. Review status: criteria provided, single submitter. Criteria: Invitae Variant Classification Sherloc (09022015). Collection method: clinical testing. Allele origin: germline.
Comment: This sequence change creates a premature translational stop signal (p.Arg79Alafs*115) in the DNAAF2 gene. It is expected to result in an absent or disrupted protein product. Loss-of-function variants in DNAAF2 are known to be pathogenic (PMID: 19052621, 24498942). This variant is present in population databases (no rsID available, gnomAD 0.004%). This variant has not been reported in the literature in individuals affected with DNAAF2-related conditions. ClinVar contains an entry for this variant (Variation ID: 1454328). For these reasons, this variant has been classified as Pathogenic.

Literature cited by the submitters: PubMed 19052621; PubMed 24498942.